The following is an entry in ClinVar:

ClinVar aggregate classification (germline): Uncertain significance (1 of 4 stars; one submission).

Conditions:
Familial cancer of breast. Also called: BREAST CANCER, FAMILIAL; hereditary breast carcinoma; Hereditary breast cancer. Identifiers: Orphanet 227535, MedGen C0346153, MONDO:0016419, OMIM 114480. Disease mechanism: loss of function.

Submission:

Labcorp Genetics (formerly Invitae), Labcorp
Classification: Uncertain significance for Familial cancer of breast. Last evaluated: 2023-07-26. Review status: criteria provided, single submitter. Criteria: Invitae Variant Classification Sherloc (09022015). Collection method: clinical testing. Allele origin: germline.
Comment: In summary, the available evidence is currently insufficient to determine the role of this variant in disease. Therefore, it has been classified as a Variant of Uncertain Significance. An algorithm developed to predict the effect of missense changes on protein structure and function (PolyPhen-2) suggests that this variant is likely to be disruptive. ClinVar contains an entry for this variant (Variation ID: 460781). This variant has not been reported in the literature in individuals affected with CHEK2-related conditions. This variant is not present in population databases (gnomAD no frequency). This sequence change replaces lysine, which is basic and polar, with threonine, which is neutral and polar, at codon 365 of the CHEK2 protein (p.Lys365Thr).

NM_007194.4(CHEK2):c.1094A>C (p.Lys365Thr)

Gene: CHEK2 (checkpoint kinase 2; minus strand). Cytogenetic location: 22q12.1.
Variant type: single nucleotide variant.
Coding change: c.1094A>C on transcript NM_007194.4 (MANE Select); coding-DNA position 1094, A replaced by C.
Protein change: p.Lys365Thr; replaces lysine 365 with threonine.
Molecular consequence: missense variant. On other transcripts: intron variant (3).
Genome position (GRCh38, 1-based): chr22:28,696,902, T>G on the plus strand (A>C on the coding strand, the complement: CHEK2 is on the minus strand). VCF-style: chr22-28696902-T-G. GRCh37 (hg19) VCF-style: chr22-29092890-T-G.
Other names: c.1223A>C, p.Lys408Thr (NM_001005735.3); c.431A>C, p.Lys144Thr (NM_001257387.3, NM_001437942.1); c.893A>C, p.Lys298Thr (NM_001349956.3); c.1187A>C, p.Lys396Thr (NM_001438293.1); c.1009-1029A>C (NM_145862.3); c.1102-1029A>C (NM_001438295.1); c.1138-1029A>C (NM_001438294.1); short protein forms K365T, K408T, K144T, K298T, K396T.
Identifiers: ClinVar variation 460781 (VCV000460781.9), dbSNP rs1555914237, ClinGen allele CA411097423.